The following is an entry in ClinVar:

ClinVar aggregate classification (germline): Uncertain significance. Review status: criteria provided, multiple submitters, no conflicts (2 of 4 stars). 2 submissions from 2 submitters: Uncertain significance (2). Last evaluated 2026-01-30.

Conditions:
Cardiovascular phenotype. Identifiers: MedGen CN230736.
ABCG5-related disorder. Also called: ABCG5-related condition.

Allele frequency attached by ClinVar (database versions not stated): gnomAD exomes 0.00002; ExAC 0.00001; TOPMed 0.00002; gnomAD 0.00003.
gnomAD v4.1: 14 of 1,567,764 alleles (0.00089%); highest among the groups gnomAD compares: Admixed American, 0.0067%; no homozygotes.

Submissions (2):

PreventionGenetics, part of Exact Sciences
Classification: Uncertain significance for ABCG5-related condition. Last evaluated: 2026-01-30. Review status: criteria provided, single submitter. Criteria: ACMG Guidelines, 2015. Collection method: clinical testing. Allele origin: germline.
Comment: The ABCG5 c.1888T>A variant is predicted to result in the amino acid substitution p.Phe630Ile. This variant has been reported in the heterozygous state in an individual with hypercholesterolemia (Supplemental Table S2, Medeiros et al. 2024. PubMed ID: 38122934). This variant is reported in 0.0018% of alleles in individuals of European (Non-Finnish) descent in gnomAD. At this time, the clinical significance of this variant is uncertain due to the absence of conclusive functional and genetic evidence.

Ambry Genetics
Classification: Uncertain significance for Cardiovascular phenotype. Last evaluated: 2025-11-07. Review status: criteria provided, single submitter. Criteria: Ambry Variant Classification Scheme 2023. Collection method: clinical testing. Allele origin: germline.
Comment: The p.F630I variant (also known as c.1888T>A), located in coding exon 13 of the ABCG5 gene, results from a T to A substitution at nucleotide position 1888. The phenylalanine at codon 630 is replaced by isoleucine, an amino acid with highly similar properties. This amino acid position is conserved. In addition, the in silico prediction for this alteration is inconclusive. Since supporting evidence is limited at this time, the clinical significance of this alteration remains unclear.

NM_022436.3(ABCG5):c.1888T>A (p.Phe630Ile)

Genes: ABCG5 (ATP binding cassette subfamily G member 5; minus strand), DYNC2LI1 (dynein cytoplasmic 2 light intermediate chain 1; plus strand). Cytogenetic location: 2p21.
Variant type: single nucleotide variant.
Coding change: c.1888T>A on transcript NM_022436.3 (MANE Select); coding-DNA position 1888, T replaced by A.
Protein change: p.Phe630Ile; replaces phenylalanine 630 with isoleucine.
Molecular consequence: missense variant. On other transcripts: intron variant (2).
Genome position (GRCh38, 1-based): chr2:43,813,184, A>T on the plus strand (T>A on the coding strand, the complement: ABCG5 is on the minus strand). VCF-style: chr2-43813184-A-T. GRCh37 (hg19) VCF-style: chr2-44040323-A-T.
Other names: c.*15+2660A>T (NM_001348913.2, NM_001348912.2); short protein forms F630I.
Identifiers: ClinVar variation 2485807 (VCV002485807.3), dbSNP rs780262808, ClinGen allele CA1636128.
Genomic context (GRCh38, chr2:43,813,184, plus strand): 5'-TAATGAGATGATCCCTTATTTTGAAAACAACTATTCCTAGGATGACAAGAGCTGGAATAA[A>T]TGAATACAAAATCAGAAAGTTCATTGTGAATCTAGATGTTGCACCTGGGCAGGTTTTCTC-3'
Protein context (NP_071881.1, residues 620-640): FTMNFLILYS[Phe630Ile]IPALVILGIV